The following is an entry in ClinVar:

NM_001270974.2(HYDIN):c.13679+6G>C

Gene: HYDIN (HYDIN axonemal central pair apparatus protein; minus strand). Cytogenetic location: 16q22.2.
Variant type: single nucleotide variant.
Coding change: c.13679+6G>C on transcript NM_001270974.2 (MANE Select); 6 bases into the intron after coding-DNA position 13679, G replaced by C.
Molecular consequence: intron variant.
Genome position (GRCh38, 1-based): chr16:70,833,881, C>G on the plus strand (G>C on the coding strand, the complement: HYDIN is on the minus strand). VCF-style: chr16-70833881-C-G. GRCh37 (hg19) VCF-style: chr16-70867784-C-G.
Identifiers: ClinVar variation 2646696 (VCV002646696.26), dbSNP rs372122774, ClinGen allele CA8148580.

ClinVar aggregate classification (germline): Benign/Likely benign. Review status: criteria provided, multiple submitters, no conflicts (2 of 4 stars). 3 submissions from 3 submitters: Benign (1); Likely benign (2). Last evaluated 2026-07-01.

Allele frequency attached by ClinVar (database versions not stated): 1000 Genomes Project 0.00020; 1000 Genomes Project 30x 0.00031; TOPMed 0.00037; ESP Exome Variant Server 0.00040; gnomAD 0.00052; gnomAD exomes 0.00072; ExAC 0.00111.
gnomAD v4.1: 1,104 of 1,607,228 alleles (0.069%); highest among the groups gnomAD compares: Non-Finnish European, 0.086%; 2 homozygotes.

Submissions (3):

CeGaT Center for Human Genetics Tuebingen
Classification: Likely benign. Last evaluated: 2026-07-01. Review status: criteria provided, single submitter. Criteria: CeGaT Center For Human Genetics Tuebingen Variant Classification Criteria Version 2. Collection method: clinical testing. Allele origin: germline. Affected: yes. Observed: 3 variant alleles.
Comment: HYDIN: BP4

Laboratory of Genetics, Children's Clinical University Hospital Latvia
Classification: Benign. Last evaluated: 2025-02-16. Review status: criteria provided, single submitter. Criteria: ACMG Guidelines, 2015. Collection method: clinical testing. Allele origin: germline. Affected: yes.

Blueprint Genetics
Classification: Likely benign. Last evaluated: 2024-11-11. Review status: criteria provided, single submitter. Criteria: ACMG Guidelines, 2015. Collection method: clinical testing. Allele origin: germline.